The following is an entry in ClinVar:

NM_003070.5(SMARCA2):c.3685-6C>A

Gene: SMARCA2 (SWI/SNF related BAF chromatin remodeling complex subunit ATPase 2; plus strand). Cytogenetic location: 9p24.3.
Variant type: single nucleotide variant.
Coding change: c.3685-6C>A on transcript NM_003070.5 (MANE Select); 6 bases into the intron before coding-DNA position 3685, C replaced by A.
Molecular consequence: intron variant.
Genome position (GRCh38, 1-based): chr9:2,119,452, C>A. VCF-style: chr9-2119452-C-A. GRCh37 (hg19) VCF-style: chr9-2119452-C-A.
Other names: c.3685-6C>A (NM_139045.4, NM_001289396.2); c.3511-6C>A (NM_001289397.2).
Identifiers: ClinVar variation 366221 (VCV000366221.40), dbSNP rs201731141, ClinGen allele CA4963813.
Genomic context (GRCh38, chr9:2,119,452, plus strand): 5'-TCACTTACTTGTTTGTACCTTGCCCCAGCTGTCCACTGGTTAAAATCACTCTGTTTTTAA[C>A]CCCAGGAAGAAGATGAAGTACCGGACGATGAGACTCTGAACCAAATGATTGCTCGACGAG-3'

ClinVar aggregate classification (germline): Benign/Likely benign. Review status: criteria provided, multiple submitters, no conflicts (2 of 4 stars). 5 submissions from 5 submitters: Benign (1); Likely benign (3). 1 of the submissions does not count toward it. Last evaluated 2025-09-20.

Conditions:
SMARCA2-related disorder. Also called: SMARCA2-related condition.
Inborn genetic diseases. Identifiers: MedGen C0950123, MeSH D030342.
Nicolaides-Baraitser syndrome (NCBRS). Also called: Intellectual disability-sparse hair-brachydactyly syndrome; SMARCA2-Related Nicolaides-Baraitser Syndrome. Identifiers: Orphanet 3051, MedGen C1303073, MONDO:0011053, OMIM 601358.

Allele frequency attached by ClinVar (database versions not stated): 1000 Genomes Project 30x 0.00016; gnomAD exomes 0.00036 and 0.00022; 1000 Genomes Project 0.00020; gnomAD 0.00021; TOPMed 0.00024.
gnomAD v4.1: 550 of 1,606,876 alleles (0.034%); highest among the groups gnomAD compares: Non-Finnish European, 0.041%; no homozygotes.

Submissions (5):

Labcorp Genetics (formerly Invitae), Labcorp
Classification: Likely benign. Last evaluated: 2025-09-20. Review status: criteria provided, single submitter. Criteria: Invitae Variant Classification Sherloc (09022015). Collection method: clinical testing. Allele origin: germline.

Ambry Genetics
Classification: Likely benign for Inborn genetic diseases. Last evaluated: 2025-02-20. Review status: criteria provided, single submitter. Criteria: Ambry Variant Classification Scheme 2023. Collection method: clinical testing. Allele origin: germline.

CeGaT Center for Human Genetics Tuebingen
Classification: Likely benign. Last evaluated: 2023-03-01. Review status: criteria provided, single submitter. Criteria: CeGaT Center For Human Genetics Tuebingen Variant Classification Criteria Version 2. Collection method: clinical testing. Allele origin: germline. Affected: yes. Observed: 2 variant alleles.
Comment: SMARCA2: BP4, BS2

Illumina Laboratory Services, Illumina
Classification: Benign for Nicolaides-Baraitser syndrome. Last evaluated: 2018-01-12. Review status: criteria provided, single submitter. Criteria: ICSL Variant Classification Criteria 13 December 2019. Collection method: clinical testing. Allele origin: germline.
Comment: This variant was observed in the ICSL laboratory as part of a predisposition screen in an ostensibly healthy population. It had not been previously curated by ICSL or reported in the Human Gene Mutation Database (HGMD: prior to June 1st, 2018), and was therefore a candidate for classification through an automated scoring system. Utilizing variant allele frequency, disease prevalence and penetrance estimates, and inheritance mode, an automated score was calculated to assess if this variant is too frequent to cause the disease. Based on the score and internal cut-off values, a variant classified as benign is not then subjected to further curation. The score for this variant resulted in a classification of benign for this disease.

PreventionGenetics, part of Exact Sciences
Classification: Likely benign for SMARCA2-related condition. Last evaluated: 2019-08-06. Review status: no assertion criteria provided. Collection method: clinical testing. Allele origin: germline. Not counted in ClinVar's aggregate classification.
Comment: This variant is classified as likely benign based on ACMG/AMP sequence variant interpretation guidelines (Richards et al. 2015 PMID: 25741868, with internal and published modifications).